The following is an entry in ClinVar:

ClinVar aggregate classification (germline): Uncertain significance (1 of 4 stars; one submission).

Allele frequency attached by ClinVar (database versions not stated): gnomAD 0.00001.
gnomAD v4.1: 1 of 1,164,669 alleles (0.000086%); highest among the groups gnomAD compares: Admixed American, 0.0025%; no homozygotes.

Submission:

Greenwood Genetic Center Diagnostic Laboratories, Greenwood Genetic Center
Classification: Uncertain significance. Last evaluated: 2024-02-26. Review status: criteria provided, single submitter. Criteria: ACMG Guidelines, 2015. Collection method: clinical testing. Allele origin: germline. Affected: yes.
Comment: Gene of Uncertain Significance

NM_033215.5(PPP1R3F):c.1004+6G>A

Gene: PPP1R3F (protein phosphatase 1 regulatory subunit 3F; plus strand). Cytogenetic location: Xp11.23.
Variant type: single nucleotide variant.
Coding change: c.1004+6G>A on transcript NM_033215.5 (MANE Select); 6 bases into the intron after coding-DNA position 1004, G replaced by A.
Molecular consequence: intron variant.
Genome position (GRCh38, 1-based): chrX:49,270,879, G>A. VCF-style: chrX-49270879-G-A. GRCh37 (hg19) VCF-style: chrX-49127342-G-A.
Other names: c.-32+946G>A (NM_001184745.2).
Identifiers: ClinVar variation 3235763 (VCV003235763.1), dbSNP rs2066175148, ClinGen allele CA1132986715.